The following is an entry in ClinVar:

NM_020778.5(ALPK3):c.3624A>G (p.Pro1208=)

Gene: ALPK3 (alpha kinase 3; plus strand). Cytogenetic location: 15q25.3.
Variant type: single nucleotide variant.
Coding change: c.3624A>G on transcript NM_020778.5 (MANE Select); coding-DNA position 3624, A replaced by G.
Protein change: p.Pro1208=; no amino-acid change (proline 1208 retained).
Molecular consequence: synonymous variant.
Genome position (GRCh38, 1-based): chr15:84,858,362, A>G. VCF-style: chr15-84858362-A-G. GRCh37 (hg19) VCF-style: chr15-85401593-A-G.
Other names: p.Pro1410=.
Identifiers: ClinVar variation 509043 (VCV000509043.24), dbSNP rs368494764, ClinGen allele CA7709678.

ClinVar aggregate classification (germline): Benign/Likely benign. Review status: criteria provided, multiple submitters, no conflicts (2 of 4 stars). 12 submissions from 12 submitters: Benign (1); Likely benign (8). 3 of the submissions do not count toward it. Last evaluated 2026-09-21.

Conditions:
ALPK3-related disorder. Also called: ALPK3-related condition.
Cardiomyopathy, familial hypertrophic 27. Identifiers: MedGen C4748014, MONDO:0054838, OMIM 618052.
Cardiovascular phenotype. Identifiers: MedGen CN230736.

Allele frequency attached by ClinVar (database versions not stated): gnomAD exomes 0.00030 and 0.00011; 1000 Genomes Project 30x 0.00031; 1000 Genomes Project 0.00040; ExAC 0.00051; gnomAD 0.00135 and 0.00150; TOPMed 0.00153; ESP Exome Variant Server 0.00158.
gnomAD v4.1: 379 of 1,554,534 alleles (0.024%); highest among the groups gnomAD compares: African/African-American, 0.41%; no homozygotes.

Submissions (12):

Molecular Diagnostic Laboratory for Inherited Cardiovascular Disease, Montreal Heart Institute
Classification: Likely benign. Last evaluated: 2026-09-21. Review status: criteria provided, single submitter. Criteria: ACMG Guidelines, 2015. Collection method: clinical testing. Allele origin: germline. Affected: no.
Comment: BS1;BP7

Women's Health and Genetics/Laboratory Corporation of America, LabCorp
Classification: Likely benign. Last evaluated: 2026-05-01. Review status: criteria provided, single submitter. Criteria: LabCorp Variant Classification Summary - May 2015. Collection method: clinical testing. Allele origin: germline.

Labcorp Genetics (formerly Invitae), Labcorp
Classification: Benign. Last evaluated: 2026-01-27. Review status: criteria provided, single submitter. Criteria: Invitae Variant Classification Sherloc (09022015). Collection method: clinical testing. Allele origin: germline.

Mayo Clinic Laboratories, Mayo Clinic
Classification: Likely benign. Last evaluated: 2025-09-04. Review status: criteria provided, single submitter. Criteria: ACMG Guidelines, 2015. Collection method: clinical testing. Allele origin: germline. Observed: 5 variant alleles.
Comment: BS1, BP4, BP7

ARUP Laboratories, Molecular Genetics and Genomics, ARUP Laboratories
Classification: Likely benign for Cardiomyopathy, familial hypertrophic 27. Last evaluated: 2025-06-25. Review status: criteria provided, single submitter. Criteria: ARUP Molecular Germline Variant Investigation Process 2024. Collection method: clinical testing. Allele origin: germline.

Blueprint Genetics
Classification: Likely benign. Last evaluated: 2024-06-27. Review status: criteria provided, single submitter. Criteria: ACMG Guidelines, 2015. Collection method: clinical testing. Allele origin: germline.

GeneDx
Classification: Likely benign. Last evaluated: 2021-04-23. Review status: criteria provided, single submitter. Criteria: GeneDx Variant Classification Process June 2021. Collection method: clinical testing. Allele origin: germline. Affected: yes.

Ambry Genetics
Classification: Likely benign for Cardiovascular phenotype. Last evaluated: 2019-05-28. Review status: criteria provided, single submitter. Criteria: Ambry Variant Classification Scheme 2023. Collection method: clinical testing. Allele origin: germline.

Breakthrough Genomics
Classification: Likely benign. Review status: criteria provided, single submitter. Criteria: ACMG Guidelines, 2015. Collection method: not provided. Allele origin: germline. Inheritance: Autosomal recessive inheritance. Affected: yes.

PreventionGenetics, part of Exact Sciences
Classification: Likely benign for ALPK3-related condition. Last evaluated: 2019-05-21. Review status: no assertion criteria provided. Collection method: clinical testing. Allele origin: germline. Not counted in ClinVar's aggregate classification.
Comment: This variant is classified as likely benign based on ACMG/AMP sequence variant interpretation guidelines (Richards et al. 2015 PMID: 25741868, with internal and published modifications).

Clinical Genetics DNA and cytogenetics Diagnostics Lab, Erasmus MC, Erasmus Medical Center
Classification: Likely benign. Review status: no assertion criteria provided. Collection method: clinical testing. Allele origin: germline. Affected: yes. Study: VKGL Data-share Consensus. Not counted in ClinVar's aggregate classification.

Clinical Genetics, Academic Medical Center
Classification: Benign. Review status: no assertion criteria provided. Collection method: clinical testing. Allele origin: germline. Affected: yes. Study: VKGL Data-share Consensus. Not counted in ClinVar's aggregate classification.